The following is an entry in ClinVar:

ClinVar aggregate classification (germline): Pathogenic. Review status: criteria provided, single submitter (1 of 4 stars). 2 submissions from 2 submitters: Pathogenic (1). 1 of the submissions does not count toward it. Last evaluated 2021-11-23.

Conditions:
Neurofibromatosis, type 1 (NF1). Also called: Peripheral type neurofibromatosis; Neurofibromatosis, type I; VON RECKLINGHAUSEN DISEASE; NEUROFIBROMATOSIS, TYPE I, SOMATIC. Identifiers: Orphanet 636, MedGen C0027831, MONDO:0018975, OMIM 162200. Disease mechanism: loss of function.
Ewing sarcoma (ES). Also called: Ewing's sarcoma; Ewing's tumor; Ewing tumor. Identifiers: Orphanet 2677, Orphanet 319, MedGen C0553580, MONDO:0012817, OMIM 612219, HP:0012254.

Submissions (2):

Labcorp Genetics (formerly Invitae), Labcorp
Classification: Pathogenic for Neurofibromatosis, type 1. Last evaluated: 2021-11-23. Review status: criteria provided, single submitter. Criteria: Invitae Variant Classification Sherloc (09022015). Collection method: clinical testing. Allele origin: germline.
Comment: This variant is not present in population databases (gnomAD no frequency). This sequence change creates a premature translational stop signal (p.Lys2375*) in the NF1 gene. It is expected to result in an absent or disrupted protein product. Loss-of-function variants in NF1 are known to be pathogenic (PMID: 10712197, 23913538). This variant has not been reported in the literature in individuals affected with NF1-related conditions. For these reasons, this variant has been classified as Pathogenic. ClinVar contains an entry for this variant (Variation ID: 690368).

Molecular Oncology Initiative, University of California, San Francisco
Classification: Pathogenic for Ewing sarcoma; Neurofibromatosis, type 1. Last evaluated: 2018-09-04. Review status: no assertion criteria provided. Collection method: clinical testing. Allele origin: somatic. Affected: yes. Not counted in ClinVar's aggregate classification.

Literature cited by the submitters: PubMed 10712197 (cited by Labcorp Genetics (formerly Invitae), Labcorp); PubMed 23913538 (cited by Labcorp Genetics (formerly Invitae), Labcorp).

NM_001042492.3(NF1):c.7186A>T (p.Lys2396Ter)

Gene: NF1 (neurofibromin 1; plus strand). Cytogenetic location: 17q11.2.
Variant type: single nucleotide variant.
Coding change: c.7186A>T on transcript NM_001042492.3 (MANE Select); coding-DNA position 7186, A replaced by T.
Protein change: p.Lys2396Ter; replaces lysine 2396 with a stop codon.
Molecular consequence: nonsense.
Genome position (GRCh38, 1-based): chr17:31,343,132, A>T. VCF-style: chr17-31343132-A-T. GRCh37 (hg19) VCF-style: chr17-29670150-A-T.
Other names: c.7123A>T, p.Lys2375Ter (NM_000267.4); short protein forms K2375*, K2396*.
Identifiers: ClinVar variation 690368 (VCV000690368.6), dbSNP rs1597851489, ClinGen allele CA399015784.